The following is an entry in ClinVar:

ClinVar aggregate classification (germline): Benign/Likely benign. Review status: criteria provided, multiple submitters, no conflicts (2 of 4 stars). 4 submissions from 4 submitters: Benign (1); Likely benign (3). Last evaluated 2024-05-23.

Conditions:
Familial adenomatous polyposis 1 (FAP1). Also called: FAMILIAL ADENOMATOUS POLYPOSIS 1, ATTENUATED; POLYPOSIS, ADENOMATOUS INTESTINAL. Identifiers: MedGen C2713442, MONDO:0021056, OMIM 175100. Disease mechanism: loss of function.
Hereditary cancer-predisposing syndrome. Also called: Neoplastic Syndromes, Hereditary; Tumor predisposition; Hereditary Cancer Syndrome; Hereditary neoplastic syndrome. Identifiers: Orphanet 140162, MedGen C0027672, MeSH D009386, MONDO:0015356.

Allele frequency attached by ClinVar (database versions not stated): gnomAD exomes below 0.00001.

Submissions (4):

Labcorp Genetics (formerly Invitae), Labcorp
Classification: Likely benign for Familial adenomatous polyposis 1. Last evaluated: 2024-05-23. Review status: criteria provided, single submitter. Criteria: Invitae Variant Classification Sherloc (09022015). Collection method: clinical testing. Allele origin: germline.

Myriad Genetics, Inc.
Classification: Benign for Familial adenomatous polyposis 1. Last evaluated: 2024-03-11. Review status: criteria provided, single submitter. Criteria: Myriad Autosomal Dominant, Autosomal Recessive and X-Linked Classification Criteria (2023). Collection method: clinical testing. Allele origin: unknown.
Comment: This variant is considered benign. This variant is a silent/synonymous amino acid change and it is not expected to impact splicing.

Color Diagnostics, LLC DBA Color Health
Classification: Likely benign for Hereditary cancer-predisposing syndrome. Last evaluated: 2021-10-27. Review status: criteria provided, single submitter. Criteria: ACMG Guidelines, 2015. Collection method: clinical testing. Allele origin: germline.

Ambry Genetics
Classification: Likely benign for Hereditary cancer-predisposing syndrome. Last evaluated: 2018-06-20. Review status: criteria provided, single submitter. Criteria: Ambry Variant Classification Scheme 2023. Collection method: clinical testing. Allele origin: germline.

NM_000038.6(APC):c.2310A>G (p.Ser770=)

Gene: APC (APC regulator of Wnt signaling pathway; plus strand). Cytogenetic location: 5q22.2.
Variant type: single nucleotide variant.
Coding change: c.2310A>G on transcript NM_000038.6 (MANE Select); coding-DNA position 2310, A replaced by G.
Protein change: p.Ser770=; no amino-acid change (serine 770 retained).
Molecular consequence: synonymous variant.
Genome position (GRCh38, 1-based): chr5:112,837,904, A>G. VCF-style: chr5-112837904-A-G. GRCh37 (hg19) VCF-style: chr5-112173601-A-G.
Other names: c.2310A>G, p.Ser770= (NM_001127510.3, NM_001354895.2); c.2256A>G, p.Ser752= (NM_001127511.3); c.2364A>G, p.Ser788= (NM_001354896.2); c.2340A>G, p.Ser780= (NM_001354897.2); c.2235A>G, p.Ser745= (NM_001354898.2); c.2226A>G, p.Ser742= (NM_001354899.2); c.2187A>G, p.Ser729= (NM_001354900.2); c.2133A>G, p.Ser711= (NM_001354901.2); and 5 more.
Identifiers: ClinVar variation 821072 (VCV000821072.16), dbSNP rs201019009, ClinGen allele CA125167762.